The following is an entry in ClinVar:

ClinVar aggregate classification (germline): Uncertain significance (1 of 4 stars; one submission).

Conditions:
Inborn genetic diseases. Identifiers: MedGen C0950123, MeSH D030342.

gnomAD v4.1: 2 of 1,587,332 alleles (0.00013%); no homozygotes.

Submission:

Ambry Genetics
Classification: Uncertain significance for Inborn genetic diseases. Last evaluated: 2025-08-14. Review status: criteria provided, single submitter. Criteria: Ambry Variant Classification Scheme 2023. Collection method: clinical testing. Allele origin: germline.
Comment: The p.H844Q variant (also known as c.2532T>A), located in coding exon 14 of the FANCM gene, results from a T to A substitution at nucleotide position 2532. The histidine at codon 844 is replaced by glutamine, an amino acid with highly similar properties. This amino acid position is conserved. In addition, this alteration is predicted to be tolerated by in silico analysis. Based on the available evidence, the clinical significance of this variant remains unclear.

NM_020937.4(FANCM):c.2532T>A (p.His844Gln)

Gene: FANCM (FA complementation group M; plus strand). Cytogenetic location: 14q21.2.
Variant type: single nucleotide variant.
Coding change: c.2532T>A on transcript NM_020937.4 (MANE Select); coding-DNA position 2532, T replaced by A.
Protein change: p.His844Gln; replaces histidine 844 with glutamine.
Molecular consequence: missense variant.
Genome position (GRCh38, 1-based): chr14:45,175,286, T>A. VCF-style: chr14-45175286-T-A. GRCh37 (hg19) VCF-style: chr14-45644489-T-A.
Other names: c.2454T>A, p.His818Gln (NM_001308133.2); short protein forms H818Q, H844Q.
Identifiers: ClinVar variation 4254673 (VCV004254673.1).